The following is an entry in ClinVar:

ClinVar aggregate classification (germline): Conflicting classifications of pathogenicity. Review status: criteria provided, conflicting classifications (1 of 4 stars). 2 submissions from 2 submitters: Likely pathogenic (1); Uncertain significance (1). Last evaluated 2023-03-23.

Conditions:
Hypercalcemia, infantile, 2 (HCINF2). Identifiers: Orphanet 300547, MedGen C4310473, MONDO:0014851, OMIM 616963.

Allele frequency attached by ClinVar (database versions not stated): gnomAD exomes below 0.00001.
gnomAD v4.1: 2 of 1,613,874 alleles (0.00012%); highest among the groups gnomAD compares: Non-Finnish European, 0.00017%; no homozygotes.

Submissions (2):

Oxford Medical Genetics Laboratories, Oxford University Hospitals NHS Foundation Trust
Classification: Likely pathogenic for Hypercalcemia, infantile, 2. Last evaluated: 2023-03-23. Review status: criteria provided, single submitter. Criteria: ACMG Guidelines, 2015. Collection method: clinical testing. Allele origin: germline. Affected: yes.

Labcorp Genetics (formerly Invitae), Labcorp
Classification: Uncertain significance. Last evaluated: 2020-11-04. Review status: criteria provided, single submitter. Criteria: Invitae Variant Classification Sherloc (09022015). Collection method: clinical testing. Allele origin: germline.
Comment: This sequence change falls in intron 10 of the SLC34A1 gene. It does not directly change the encoded amino acid sequence of the SLC34A1 protein. It affects a nucleotide within the consensus splice site of the intron. This variant is not present in population databases (ExAC no frequency). This variant has not been reported in the literature in individuals with SLC34A1-related conditions. Nucleotide substitutions within the consensus splice site are a relatively common cause of aberrant splicing (PMID: 17576681, 9536098). Algorithms developed to predict the effect of sequence changes on RNA splicing suggest that this variant may disrupt the consensus splice site, but this prediction has not been confirmed by published transcriptional studies. In summary, the available evidence is currently insufficient to determine the role of this variant in disease. Therefore, it has been classified as a Variant of Uncertain Significance.

Literature cited by the submitters: PubMed 17576681 (cited by Labcorp Genetics (formerly Invitae), Labcorp); PubMed 9536098 (cited by Labcorp Genetics (formerly Invitae), Labcorp).

NM_003052.5(SLC34A1):c.1175-3C>A

Gene: SLC34A1 (solute carrier family 34 member 1; plus strand). Cytogenetic location: 5q35.3.
Variant type: single nucleotide variant.
Coding change: c.1175-3C>A on transcript NM_003052.5 (MANE Select); 3 bases into the intron before coding-DNA position 1175, C replaced by A.
Molecular consequence: intron variant.
Genome position (GRCh38, 1-based): chr5:177,396,730, C>A. VCF-style: chr5-177396730-C-A. GRCh37 (hg19) VCF-style: chr5-176823731-C-A.
Identifiers: ClinVar variation 1525113 (VCV001525113.28), dbSNP rs2127355139, ClinGen allele CA2573139475.